The following is an entry in ClinVar:

ClinVar aggregate classification (germline): Uncertain significance. Review status: criteria provided, multiple submitters, no conflicts (2 of 4 stars). 6 submissions from 5 submitters: Uncertain significance (6). Last evaluated 2025-08-10.

Conditions:
Malignant hyperthermia, susceptibility to, 1 (MHS1). Also called: RYR1-Related Malignant Hyperthermia Susceptibility; Anesthesia related hyperthermia; Malignant hyperpyrexia; Fulminating hyperpyrexia; Pharmacogenic myopathy; Malignant hyperthermia suceptibility 1. Identifiers: Orphanet 423, MedGen C2930980, MONDO:0007783, OMIM 145600.
RYR1-related disorder. Also called: RYR1-related disorders; RYR1-related condition. Identifiers: MedGen CN239331.

Allele frequency attached by ClinVar (database versions not stated): TOPMed 0.00001; ExAC 0.00005.
gnomAD v4.1: 10 of 1,567,744 alleles (0.00064%); highest among the groups gnomAD compares: South Asian, 0.0012%; no homozygotes.

Submissions (6):

Labcorp Genetics (formerly Invitae), Labcorp
Classification: Uncertain significance for RYR1-related disorder. Last evaluated: 2025-08-10. Review status: criteria provided, single submitter. Criteria: Invitae Variant Classification Sherloc (09022015). Collection method: clinical testing. Allele origin: germline.
Comment: This sequence change replaces alanine, which is neutral and non-polar, with threonine, which is neutral and polar, at codon 3215 of the RYR1 protein (p.Ala3215Thr). This variant is not present in population databases (gnomAD no frequency). This missense change has been observed in individual(s) with clinical features of RYR1-related conditions (internal data). ClinVar contains an entry for this variant (Variation ID: 587457). Invitae Evidence Modeling of protein sequence and biophysical properties (such as structural, functional, and spatial information, amino acid conservation, physicochemical variation, residue mobility, and thermodynamic stability) indicates that this missense variant is not expected to disrupt RYR1 protein function with a negative predictive value of 80%. In summary, the available evidence is currently insufficient to determine the role of this variant in disease. Therefore, it has been classified as a Variant of Uncertain Significance.

Women's Health and Genetics/Laboratory Corporation of America, LabCorp
Classification: Uncertain significance. Last evaluated: 2025-07-11. Review status: criteria provided, single submitter. Criteria: LabCorp Variant Classification Summary - May 2015. Collection method: clinical testing. Allele origin: germline.
Comment: Variant summary: RYR1 c.9643G>A (p.Ala3215Thr) results in a non-conservative amino acid change in the encoded protein sequence. Algorithms developed to predict the effect of missense changes on protein structure and function are either unavailable or do not agree on the potential impact of this missense change. The frequency data for this variant in gnomAD is considered unreliable, as metrics indicate poor data quality at this position. To our knowledge, no occurrence of c.9643G>A in individuals affected with Congenital multicore myopathy with external ophthalmoplegia and no experimental evidence demonstrating its impact on protein function have been reported. ClinVar contains an entry for this variant (Variation ID: 587457). Based on the evidence outlined above, the variant was classified as uncertain significance.

Revvity Omics, Revvity
Classification: Uncertain significance. Last evaluated: 2024-12-04. Review status: criteria provided, single submitter. Criteria: ACMG Guidelines, 2015. Collection method: clinical testing. Allele origin: germline.

Color Diagnostics, LLC DBA Color Health
Classification: Uncertain significance for Malignant hyperthermia, susceptibility to, 1. Last evaluated: 2023-11-15. Review status: criteria provided, single submitter. Criteria: ACMG Guidelines, 2015. Collection method: clinical testing. Allele origin: germline.
Comment: This missense variant replaces alanine with threonine at codon 3215 of the RYR1 protein. Computational prediction suggests that this variant may not impact protein structure and function. To our knowledge, functional studies have not been reported for this variant. This variant has not been reported in individuals affected with RYR1-related disorders in the literature. This variant has not been identified in the general population by the Genome Aggregation Database (gnomAD). The available evidence is insufficient to determine the role of this variant in disease conclusively. Therefore, this variant is classified as a Variant of Uncertain Significance.

Genomic Research Center, Shahid Beheshti University of Medical Sciences
Classification: Uncertain significance for Malignant hyperthermia, susceptibility to, 1. Last evaluated: 2018-08-07. Review status: criteria provided, single submitter. Criteria: ACMG Guidelines, 2015. Collection method: clinical testing. Allele origin: inherited. Affected: no. Observed: 1 variant allele.

Genomic Research Center, Shahid Beheshti University of Medical Sciences
Classification: Uncertain significance for RYR1-Related Disorders. Last evaluated: 2018-08-07. Review status: criteria provided, single submitter. Criteria: ACMG Guidelines, 2015. Collection method: clinical testing. Allele origin: inherited. Affected: no. Observed: 1 variant allele.

NM_000540.3(RYR1):c.9643G>A (p.Ala3215Thr)

Gene: RYR1 (ryanodine receptor 1; plus strand). Cytogenetic location: 19q13.2.
Variant type: single nucleotide variant.
Coding change: c.9643G>A on transcript NM_000540.3 (MANE Select); coding-DNA position 9643, G replaced by A.
Protein change: p.Ala3215Thr; replaces alanine 3215 with threonine.
Molecular consequence: missense variant.
Genome position (GRCh38, 1-based): chr19:38,516,175, G>A. VCF-style: chr19-38516175-G-A. GRCh37 (hg19) VCF-style: chr19-39006815-G-A.
Other names: c.9643G>A, p.Ala3215Thr (NM_001042723.2); short protein forms A3215T.
Identifiers: ClinVar variation 587457 (VCV000587457.16), dbSNP rs745421419, ClinGen allele CA073923.